The following is an entry in ClinVar:

ClinVar aggregate classification (germline): Likely benign (1 of 4 stars; one submission).

Conditions:
Glycogen storage disease, type II (IOPD). Also called: Pompe Disease; CARDIOMEGALIA GLYCOGENICA DIFFUSA; GLYCOGENOSIS, GENERALIZED, CARDIAC FORM; GSD II; POMPE DISEASE, INFANTILE-ONSET; GLYCOGEN STORAGE DISEASE II, INFANTILE-ONSET. Identifiers: Orphanet 365, MedGen C0017921, MONDO:0009290, OMIM 232300.

Submission:

Genomenon, Inc
Classification: Likely benign for Glycogen storage disease, type II. Last evaluated: 2026-07-01. Review status: criteria provided, single submitter. Criteria: Genomenon Sequence Variant Interpretation Standards - Updated. Collection method: curation. Allele origin: germline. Affected: yes.
Comment: GAA p.Ser46Pro (c.136T>C) is a missense variant that changes the amino acid at codon 46 from Serine to Proline. This variant has been observed in at least one proband with a GAA-related disorder (PMID:19588081). Well-established functional studies show no damaging effect of this variant on protein function, supporting a benign classification (PMID:22644586). It is absent or not present at a significant frequency in gnomAD. In silico models predict that this variant is not damaging. In conclusion, we classify GAA p.Ser46Pro (c.136T>C) as a likely benign variant.

Literature cited by the submitters: PubMed 19588081; PubMed 22644586.

NM_000152.5(GAA):c.136T>C (p.Ser46Pro)

Gene: GAA (alpha glucosidase; plus strand). Cytogenetic location: 17q25.3.
Variant type: single nucleotide variant.
Coding change: c.136T>C on transcript NM_000152.5 (MANE Select); coding-DNA position 136, T replaced by C.
Protein change: p.Ser46Pro; replaces serine 46 with proline.
Molecular consequence: missense variant.
Genome position (GRCh38, 1-based): chr17:80,104,722, T>C. VCF-style: chr17-80104722-T-C. GRCh37 (hg19) VCF-style: chr17-78078521-T-C.
Other names: c.136T>C, p.Ser46Pro (NM_001079803.3, NM_001079804.3, NM_001406741.1 and 1 more transcripts); short protein forms S46P.
Identifiers: ClinVar variation 4876254 (VCV004876254.1).
Genomic context (GRCh38, chr17:80,104,722, plus strand): 5'-CTCCTGGGGCACATCCTACTCCATGATTTCCTGCTGGTTCCCCGAGAGCTGAGTGGCTCC[T>C]CCCCAGTCCTGGAGGAGACTCACCCAGCTCACCAGCAGGGAGCCAGCAGACCAGGGCCCC-3'
Protein context (NP_000143.2, residues 36-56): LLVPRELSGS[Ser46Pro]PVLEETHPAH